The following is an entry in ClinVar:

NM_000235.4(LIPA):c.46A>C (p.Thr16Pro)

Gene: LIPA (lipase A, lysosomal acid type; minus strand). Cytogenetic location: 10q23.31.
Variant type: single nucleotide variant.
Coding change: c.46A>C on transcript NM_000235.4 (MANE Select); coding-DNA position 46, A replaced by C.
Protein change: p.Thr16Pro; replaces threonine 16 with proline.
Molecular consequence: missense variant. On other transcripts: intron variant (1).
Genome position (GRCh38, 1-based): chr10:89,247,603, T>G on the plus strand (A>C on the coding strand, the complement: LIPA is on the minus strand). VCF-style: chr10-89247603-T-G. GRCh37 (hg19) VCF-style: chr10-91007360-T-G.
Other names: c.46A>C, p.Thr16Pro (NM_001127605.3); c.-120+4134A>C (NM_001288979.2); short protein forms T16P.
Identifiers: ClinVar variation 195049 (VCV000195049.34), dbSNP rs1051338, ClinGen allele CA201516.

ClinVar aggregate classification (germline): Benign/Likely benign. Review status: criteria provided, multiple submitters, no conflicts (2 of 4 stars). 15 submissions from 15 submitters: Benign (9); Likely benign (2). 4 of the submissions do not count toward it. Last evaluated 2026-02-04.

Conditions:
Cardiovascular phenotype. Identifiers: MedGen CN230736.
Wolman disease (WOLD). Also called: Acid cholesteryl ester hydrolase deficiency, Wolman type; Acid lipase disease; Wolman disease, CESD; Wolman disease with hypolipoproteinemia and acanthocytosis; Infantile-Onset LAL-D (Wolman Disease); LYSOSOMAL ACID LIPASE DEFICIENCY, ACUTE INFANTILE. Identifiers: Orphanet 75233, MedGen C0043208, MONDO:0019148, OMIM 620151.
Lysosomal acid lipase deficiency. Also called: Acid cholesteryl ester hydrolase deficiency, type 2. Identifiers: Orphanet 275761, MedGen C5574740, MONDO:0800449, MONDO:0010204.

Allele frequency attached by ClinVar (database versions not stated): ESP Exome Variant Server 0.24097; gnomAD 0.25399 and 0.26270; TOPMed 0.25410; 1000 Genomes Project 30x 0.27780; 1000 Genomes Project 0.28614; gnomAD exomes 0.30895 and 0.32156; ExAC 0.31632.
gnomAD v4.1: 491,140 of 1,610,980 alleles (30%); highest among the groups gnomAD compares: South Asian, 42%; 77,838 homozygotes.

Submissions (15):

Labcorp Genetics (formerly Invitae), Labcorp
Classification: Benign for Wolman disease. Last evaluated: 2026-02-04. Review status: criteria provided, single submitter. Criteria: Invitae Variant Classification Sherloc (09022015). Collection method: clinical testing. Allele origin: germline.

Blueprint Genetics
Classification: Benign. Last evaluated: 2024-11-27. Review status: criteria provided, single submitter. Criteria: ACMG Guidelines, 2015. Collection method: clinical testing. Allele origin: germline.

GENinCode PLC
Classification: Benign for Lysosomal acid lipase deficiency. Last evaluated: 2022-07-06. Review status: criteria provided, single submitter. Criteria: ACMG Guidelines, 2015. Collection method: clinical testing. Allele origin: germline.

Women's Health and Genetics/Laboratory Corporation of America, LabCorp
Classification: Likely benign. Last evaluated: 2021-12-03. Review status: criteria provided, single submitter. Criteria: LabCorp Variant Classification Summary - May 2015. Collection method: clinical testing. Allele origin: germline.

Genome-Nilou Lab
Classification: Benign for Cholesteryl ester storage disease. Last evaluated: 2021-07-10. Review status: criteria provided, single submitter. Criteria: ACMG Guidelines, 2015. Collection method: clinical testing. Allele origin: germline. Affected: no.

Ambry Genetics
Classification: Benign for Cardiovascular phenotype. Last evaluated: 2018-12-11. Review status: criteria provided, single submitter. Criteria: Ambry Variant Classification Scheme 2023. Collection method: clinical testing. Allele origin: germline.

Illumina Laboratory Services, Illumina
Classification: Benign for Cholesteryl ester storage disease. Last evaluated: 2018-01-13. Review status: criteria provided, single submitter. Criteria: ICSL Variant Classification Criteria 13 December 2019. Collection method: clinical testing. Allele origin: germline.
Comment: This variant was observed in the ICSL laboratory as part of a predisposition screen in an ostensibly healthy population. It had not been previously curated by ICSL or reported in the Human Gene Mutation Database (HGMD: prior to June 1st, 2018), and was therefore a candidate for classification through an automated scoring system. Utilizing variant allele frequency, disease prevalence and penetrance estimates, and inheritance mode, an automated score was calculated to assess if this variant is too frequent to cause the disease. Based on the score and internal cut-off values, a variant classified as benign is not then subjected to further curation. The score for this variant resulted in a classification of benign for this disease.

Eurofins Ntd Llc (ga)
Classification: Benign. Last evaluated: 2015-03-27. Review status: criteria provided, single submitter. Criteria: EGL Classification Definitions 2015. Collection method: clinical testing. Allele origin: germline. Observed: 2 variant alleles, 2 homozygotes.

GeneDx
Classification: Benign. Last evaluated: 2015-03-03. Review status: criteria provided, single submitter. Criteria: GeneDx Variant Classification Process June 2021. Collection method: clinical testing. Allele origin: germline. Affected: yes.
Comment: This variant is associated with the following publications: (PMID: 22395809, 31645127, 29196158, 28279971)

Breakthrough Genomics
Classification: Likely benign. Review status: criteria provided, single submitter. Criteria: ACMG Guidelines, 2015. Collection method: not provided. Allele origin: germline. Inheritance: Autosomal recessive inheritance. Affected: yes.

PreventionGenetics, part of Exact Sciences
Classification: Benign. Review status: criteria provided, single submitter. Criteria: ACMG Guidelines, 2015. Collection method: clinical testing. Allele origin: germline.

Natera, Inc.
Classification: Benign for Lysosomal acid lipase deficiency. Last evaluated: 2019-11-20. Review status: no assertion criteria provided. Collection method: clinical testing. Allele origin: germline. Not counted in ClinVar's aggregate classification.

Mayo Clinic Laboratories, Mayo Clinic
Classification: Benign. Last evaluated: 2015-10-23. Review status: no assertion criteria provided. Collection method: clinical testing. Allele origin: unknown. Not counted in ClinVar's aggregate classification.

Clinical Genetics, Academic Medical Center
Classification: Benign. Review status: no assertion criteria provided. Collection method: clinical testing. Allele origin: germline. Affected: yes. Study: VKGL Data-share Consensus. Not counted in ClinVar's aggregate classification.

Diagnostic Laboratory, Department of Genetics, University Medical Center Groningen
Classification: Benign for Cholesteryl ester storage disease. Review status: no assertion criteria provided. Collection method: clinical testing. Allele origin: germline. Affected: yes. Study: VKGL Data-share Consensus. Not counted in ClinVar's aggregate classification.